The following is an entry in ClinVar:

NM_152328.5(ADSS1):c.733G>A (p.Gly245Ser)

Gene: ADSS1 (adenylosuccinate synthase 1; plus strand). Cytogenetic location: 14q32.33.
Variant type: single nucleotide variant.
Coding change: c.733G>A on transcript NM_152328.5 (MANE Select); coding-DNA position 733, G replaced by A.
Protein change: p.Gly245Ser; replaces glycine 245 with serine.
Molecular consequence: missense variant.
Genome position (GRCh38, 1-based): chr14:104,741,183, G>A. VCF-style: chr14-104741183-G-A. GRCh37 (hg19) VCF-style: chr14-105207520-G-A.
Other names: c.118G>A, p.Gly40Ser (NM_001320424.1); c.862G>A, p.Gly288Ser (NM_199165.2); c.862G>A (NM_199165.1); short protein forms G245S, G288S, G40S.
Identifiers: ClinVar variation 1681959 (VCV001681959.7), dbSNP rs564376341, ClinGen allele CA7373826.

ClinVar aggregate classification (germline): Uncertain significance. Review status: criteria provided, multiple submitters, no conflicts (2 of 4 stars). 2 submissions from 2 submitters: Uncertain significance (2). Last evaluated 2025-09-15.

Conditions:
Inborn genetic diseases. Identifiers: MedGen C0950123, MeSH D030342.

Allele frequency attached by ClinVar (database versions not stated): ExAC 0.00002; gnomAD 0.00005; TOPMed 0.00005; 1000 Genomes Project 30x 0.00016; 1000 Genomes Project 0.00020.
gnomAD v4.1: 17 of 1,612,370 alleles (0.0011%); highest among the groups gnomAD compares: Middle Eastern, 0.05%; no homozygotes.

Submissions (2):

Labcorp Genetics (formerly Invitae), Labcorp
Classification: Uncertain significance. Last evaluated: 2025-09-15. Review status: criteria provided, single submitter. Criteria: Invitae Variant Classification Sherloc (09022015). Collection method: clinical testing. Allele origin: germline.
Comment: This sequence change replaces glycine, which is neutral and non-polar, with serine, which is neutral and polar, at codon 288 of the ADSSL1 protein (p.Gly288Ser). This variant is present in population databases (rs564376341, gnomAD 0.02%). This variant has not been reported in the literature in individuals affected with ADSSL1-related conditions. ClinVar contains an entry for this variant (Variation ID: 1681959). An algorithm developed to predict the effect of missense changes on protein structure and function (PolyPhen-2) suggests that this variant is likely to be disruptive. In summary, the available evidence is currently insufficient to determine the role of this variant in disease. Therefore, it has been classified as a Variant of Uncertain Significance.

Ambry Genetics
Classification: Uncertain significance for Inborn genetic diseases. Last evaluated: 2024-09-26. Review status: criteria provided, single submitter. Criteria: Ambry Variant Classification Scheme 2023. Collection method: clinical testing. Allele origin: germline.